The following is an entry in ClinVar:

ClinVar aggregate classification (germline): Uncertain significance (1 of 4 stars; one submission).

Conditions:
Primary ciliary dyskinesia. Also called: Ciliary dyskinesia. Identifiers: Orphanet 244, MedGen C0008780, MONDO:0016575, HP:0012265.

Allele frequency attached by ClinVar (database versions not stated): TOPMed below 0.00001.
gnomAD v4.1: 17 of 1,613,516 alleles (0.0011%); highest among the groups gnomAD compares: Non-Finnish European, 0.0014%; no homozygotes.

Submission:

Labcorp Genetics (formerly Invitae), Labcorp
Classification: Uncertain significance for Primary ciliary dyskinesia. Last evaluated: 2025-07-14. Review status: criteria provided, single submitter. Criteria: Invitae Variant Classification Sherloc (09022015). Collection method: clinical testing. Allele origin: germline.
Comment: This sequence change replaces histidine, which is basic and polar, with glutamine, which is neutral and polar, at codon 665 of the DNAAF5 protein (p.His665Gln). This variant is not present in population databases (gnomAD no frequency). This variant has not been reported in the literature in individuals affected with DNAAF5-related conditions. ClinVar contains an entry for this variant (Variation ID: 2163407). Invitae Evidence Modeling of protein sequence and biophysical properties (such as structural, functional, and spatial information, amino acid conservation, physicochemical variation, residue mobility, and thermodynamic stability) indicates that this missense variant is not expected to disrupt DNAAF5 protein function with a negative predictive value of 80%. In summary, the available evidence is currently insufficient to determine the role of this variant in disease. Therefore, it has been classified as a Variant of Uncertain Significance.

NM_017802.4(DNAAF5):c.1995T>A (p.His665Gln)

Gene: DNAAF5 (dynein axonemal assembly factor 5; plus strand). Cytogenetic location: 7p22.3.
Variant type: single nucleotide variant.
Coding change: c.1995T>A on transcript NM_017802.4 (MANE Select); coding-DNA position 1995, T replaced by A.
Protein change: p.His665Gln; replaces histidine 665 with glutamine.
Molecular consequence: missense variant. On other transcripts: non-coding transcript variant (1).
Genome position (GRCh38, 1-based): chr7:774,111, T>A. VCF-style: chr7-774111-T-A. GRCh37 (hg19) VCF-style: chr7-813748-T-A.
Other names: short protein forms H665Q.
Identifiers: ClinVar variation 2163407 (VCV002163407.4), dbSNP rs768081340, ClinGen allele CA366544631.
Genomic context (GRCh38, chr7:774,111, plus strand): 5'-GTTTCCCAGCTACCTCGAGACGGTGACAAAGGACATCCTGGCCCCCAATCTGCAGTGGCA[T>A]GCGGGGAGGACAGCCGCGGCCATCCGCACGGCTGCCGTGTCCTGCCTCTGGGCGCTCACC-3'
Protein context (NP_060272.3, residues 655-675): KDILAPNLQW[His665Gln]AGRTAAAIRT